The following is an entry in ClinVar:

ClinVar aggregate classification (germline): Uncertain significance (1 of 4 stars; one submission).

Allele frequency attached by ClinVar (database versions not stated): gnomAD exomes below 0.00001; ExAC 0.00001; gnomAD 0.00003; 1000 Genomes Project 30x 0.00016; 1000 Genomes Project 0.00020.
gnomAD v4.1: 5 of 1,614,028 alleles (0.00031%); highest among the groups gnomAD compares: Admixed American, 0.0083%; no homozygotes.

Submission:

Labcorp Genetics (formerly Invitae), Labcorp
Classification: Uncertain significance. Last evaluated: 2022-02-07. Review status: criteria provided, single submitter. Criteria: Invitae Variant Classification Sherloc (09022015). Collection method: clinical testing. Allele origin: germline.
Comment: This sequence change replaces glutamic acid, which is acidic and polar, with aspartic acid, which is acidic and polar, at codon 1167 of the MCM3AP protein (p.Glu1167Asp). This variant is present in population databases (rs527406097, gnomAD 0.003%). This variant has not been reported in the literature in individuals affected with MCM3AP-related conditions. Algorithms developed to predict the effect of missense changes on protein structure and function are either unavailable or do not agree on the potential impact of this missense change (SIFT: "Deleterious"; PolyPhen-2: "Benign"; Align-GVGD: "Class C0"). In summary, the available evidence is currently insufficient to determine the role of this variant in disease. Therefore, it has been classified as a Variant of Uncertain Significance.

NM_003906.5(MCM3AP):c.3501G>C (p.Glu1167Asp)

Gene: MCM3AP (minichromosome maintenance complex component 3 associated protein; minus strand). Cytogenetic location: 21q22.3.
Variant type: single nucleotide variant.
Coding change: c.3501G>C on transcript NM_003906.5 (MANE Select); coding-DNA position 3501, G replaced by C.
Protein change: p.Glu1167Asp; replaces glutamic acid 1167 with aspartic acid.
Molecular consequence: missense variant.
Genome position (GRCh38, 1-based): chr21:46,260,873, C>G on the plus strand (G>C on the coding strand, the complement: MCM3AP is on the minus strand). VCF-style: chr21-46260873-C-G. GRCh37 (hg19) VCF-style: chr21-47680787-C-G.
Other names: short protein forms E1167D.
Identifiers: ClinVar variation 1960663 (VCV001960663.2), dbSNP rs527406097, ClinGen allele CA10076475.
Genomic context (GRCh38, chr21:46,260,873, plus strand): 5'-TTCCCTCACAAACTCCATCATCACGCGTTCCATCAGCTCCACGGCCAGGCCCTGGCTCAG[C>G]TCACTTAACACCAGCTCTCTCTCTTGTTTCAACCTACAGGGAAGAGAAAAAATACACAAG-3'
Protein context (NP_003897.2, residues 1157-1177): LKQERELVLS[Glu1167Asp]LSQGLAVELM